The following is an entry in ClinVar:

ClinVar aggregate classification (germline): Uncertain significance (1 of 4 stars; one submission).

Conditions:
Loeys-Dietz syndrome 2 (LDS2). Also called: Marfan Syndrome type 2; Marfan like connective tissue disorder; MFS 2; TGFBR2-Related Loeys-Dietz Syndrome; Marfan syndrome, type 2 (formerly); AORTIC ANEURYSM, FAMILIAL THORACIC 3. Identifiers: Orphanet 284973, Orphanet 558, MedGen C2674574, MONDO:0012427, OMIM 610168.

gnomAD v4.1: 14 of 1,614,100 alleles (0.00087%); highest among the groups gnomAD compares: South Asian, 0.015%; no homozygotes.

Submission:

Labcorp Genetics (formerly Invitae), Labcorp
Classification: Uncertain significance for Loeys-Dietz syndrome 2. Last evaluated: 2025-09-02. Review status: criteria provided, single submitter. Criteria: Invitae Variant Classification Sherloc (09022015). Collection method: clinical testing. Allele origin: germline.
Comment: This sequence change replaces serine, which is neutral and polar, with tyrosine, which is neutral and polar, at codon 282 of the TMPO protein (p.Ser282Tyr). This variant is present in population databases (rs768248182, gnomAD 0.03%). This variant has not been reported in the literature in individuals affected with TMPO-related conditions. Invitae Evidence Modeling of protein sequence and biophysical properties (such as structural, functional, and spatial information, amino acid conservation, physicochemical variation, residue mobility, and thermodynamic stability) indicates that this missense variant is not expected to disrupt TMPO protein function with a negative predictive value of 80%. In summary, the available evidence is currently insufficient to determine the role of this variant in disease. Therefore, it has been classified as a Variant of Uncertain Significance.

NM_001032283.3(TMPO):c.565+1264C>A

Gene: TMPO (thymopoietin; plus strand). Cytogenetic location: 12q23.1.
Variant type: single nucleotide variant.
Coding change: c.565+1264C>A on transcript NM_001032283.3 (MANE Select); 1264 bases into the intron after coding-DNA position 565, C replaced by A.
Molecular consequence: intron variant. On other transcripts: missense variant (1).
Genome position (GRCh38, 1-based): chr12:98,533,102, C>A. VCF-style: chr12-98533102-C-A. GRCh37 (hg19) VCF-style: chr12-98926880-C-A.
Other names: c.845C>A, p.Ser282Tyr (NM_003276.2); c.565+1264C>A (NM_001307975.2, NM_001032284.3); short protein forms S282Y.
Identifiers: ClinVar variation 4809215 (VCV004809215.1).